The following is an entry in ClinVar:

NM_006939.4(SOS2):c.1754T>C (p.Val585Ala)

Gene: SOS2 (SOS Ras/Rho guanine nucleotide exchange factor 2; minus strand). Cytogenetic location: 14q21.3.
Variant type: single nucleotide variant.
Coding change: c.1754T>C on transcript NM_006939.4 (MANE Select); coding-DNA position 1754, T replaced by C.
Protein change: p.Val585Ala; replaces valine 585 with alanine.
Molecular consequence: missense variant.
Genome position (GRCh38, 1-based): chr14:50,159,529, A>G on the plus strand (T>C on the coding strand, the complement: SOS2 is on the minus strand). VCF-style: chr14-50159529-A-G. GRCh37 (hg19) VCF-style: chr14-50626247-A-G.
Other names: c.1655T>C, p.Val552Ala (NM_001411020.1); short protein forms V552A, V585A.
Identifiers: ClinVar variation 3769336 (VCV003769336.2).

ClinVar aggregate classification (germline): Uncertain significance (1 of 4 stars; one submission).

Submission:

Women's Health and Genetics/Laboratory Corporation of America, LabCorp
Classification: Uncertain significance. Last evaluated: 2025-01-02. Review status: criteria provided, single submitter. Criteria: LabCorp Variant Classification Summary - May 2015. Collection method: clinical testing. Allele origin: germline.
Comment: Variant summary: SOS2 c.1754T>C (p.Val585Ala) results in a non-conservative amino acid change in the encoded protein sequence. Three of five in-silico tools predict a damaging effect of the variant on protein function. The variant was absent in 251148 control chromosomes. The available data on variant occurrences in the general population are insufficient to allow any conclusion about variant significance. To our knowledge, no occurrence of c.1754T>C in individuals affected with Noonan Syndrome and no experimental evidence demonstrating its impact on protein function have been reported. No submitters have cited clinical-significance assessments for this variant to ClinVar. Based on the evidence outlined above, the variant was classified as uncertain significance.